The following is an entry in ClinVar:

NM_000548.5(TSC2):c.1972A>G (p.Lys658Glu)

Gene: TSC2 (TSC complex subunit 2; plus strand). Cytogenetic location: 16p13.3.
Variant type: single nucleotide variant.
Coding change: c.1972A>G on transcript NM_000548.5 (MANE Select); coding-DNA position 1972, A replaced by G.
Protein change: p.Lys658Glu; replaces lysine 658 with glutamic acid.
Molecular consequence: missense variant.
Genome position (GRCh38, 1-based): chr16:2,071,809, A>G. VCF-style: chr16-2071809-A-G. GRCh37 (hg19) VCF-style: chr16-2121810-A-G.
Other names: c.1972A>G, p.Lys658Glu (NM_001077183.3, NM_001114382.3, NM_001363528.2 and 3 more transcripts); c.1861A>G, p.Lys621Glu (NM_001318827.2); c.1825A>G, p.Lys609Glu (NM_001318829.2); c.1372A>G, p.Lys458Glu (NM_001318831.2); c.2005A>G, p.Lys669Glu (NM_001318832.2); short protein forms K658E, K609E, K458E, K621E, K669E.
Identifiers: ClinVar variation 820445 (VCV000820445.9), dbSNP rs1596344129, ClinGen allele CA394274341.
Genomic context (GRCh38, chr16:2,071,809, plus strand): 5'-GGACTTGGCCTCAGCTGCTTCTCTTGCTTCTGCAGGGAGCCAGAGAGAGGCTCTGAGAAG[A>G]AGACCAGCGGCCCCCTTTCTCCTCCCACAGGGCCTCCTGGCCCGGCGCCTGCAGGCCCCG-3'
Protein context (NP_000539.2, residues 648-668): YMEPERGSEK[Lys658Glu]TSGPLSPPTG

ClinVar aggregate classification (germline): Uncertain significance. Review status: criteria provided, multiple submitters, no conflicts (2 of 4 stars). 2 submissions from 2 submitters: Uncertain significance (2). Last evaluated 2024-09-09.

Conditions:
Hereditary cancer-predisposing syndrome. Also called: Hereditary Cancer Syndrome; Neoplastic Syndromes, Hereditary; Hereditary neoplastic syndrome; Tumor predisposition. Identifiers: Orphanet 140162, MedGen C0027672, MeSH D009386, MONDO:0015356.
Tuberous sclerosis 2 (TSC2). Identifiers: Orphanet 805, MedGen C1860707, MONDO:0013199, OMIM 613254.

Submissions (2):

Labcorp Genetics (formerly Invitae), Labcorp
Classification: Uncertain significance for Tuberous sclerosis 2. Last evaluated: 2024-09-09. Review status: criteria provided, single submitter. Criteria: Invitae Variant Classification Sherloc (09022015). Collection method: clinical testing. Allele origin: germline.
Comment: This sequence change replaces lysine, which is basic and polar, with glutamic acid, which is acidic and polar, at codon 658 of the TSC2 protein (p.Lys658Glu). This variant is not present in population databases (gnomAD no frequency). This variant has not been reported in the literature in individuals affected with TSC2-related conditions. ClinVar contains an entry for this variant (Variation ID: 820445). Invitae Evidence Modeling of protein sequence and biophysical properties (such as structural, functional, and spatial information, amino acid conservation, physicochemical variation, residue mobility, and thermodynamic stability) indicates that this missense variant is not expected to disrupt TSC2 protein function with a negative predictive value of 95%. In summary, the available evidence is currently insufficient to determine the role of this variant in disease. Therefore, it has been classified as a Variant of Uncertain Significance.

Ambry Genetics
Classification: Uncertain significance for Hereditary cancer-predisposing syndrome. Last evaluated: 2019-09-20. Review status: criteria provided, single submitter. Criteria: Ambry Variant Classification Scheme 2023. Collection method: clinical testing. Allele origin: germline.
Comment: The p.K658E variant (also known as c.1972A>G), located in coding exon 18 of the TSC2 gene, results from an A to G substitution at nucleotide position 1972. The lysine at codon 658 is replaced by glutamic acid, an amino acid with similar properties. This amino acid position is well conserved in available vertebrate species. In addition, the in silico prediction for this alteration is inconclusive. Since supporting evidence is limited at this time, the clinical significance of this alteration remains unclear.